The following is an entry in ClinVar:

NM_001374736.1(DST):c.21208-2A>T

Gene: DST (dystonin; minus strand). Cytogenetic location: 6p12.1.
Variant type: single nucleotide variant.
Coding change: c.21208-2A>T on transcript NM_001374736.1 (MANE Select); the canonical splice acceptor site of the intron before coding-DNA position 21208, A replaced by T.
Molecular consequence: splice acceptor variant.
Genome position (GRCh38, 1-based): chr6:56,482,879, T>A on the plus strand (A>T on the coding strand, the complement: DST is on the minus strand). VCF-style: chr6-56482879-T-A. GRCh37 (hg19) VCF-style: chr6-56347677-T-A.
Other names: c.14851-2A>T (NM_001144769.5); c.21208-2A>T (NM_001374722.1); c.21235-2A>T (NM_001374734.1); c.14437-2A>T (NM_001144770.2); c.13990-2A>T (NM_001374730.1); c.14317-2A>T (NM_001386100.1, NM_183380.4); c.20248-2A>T (NM_001374729.1); c.13339-2A>T (NM_015548.5).
Identifiers: ClinVar variation 1469160 (VCV001469160.6), dbSNP rs2152422891, ClinGen allele CA364512435.

ClinVar aggregate classification (germline): Likely pathogenic (1 of 4 stars; one submission).

Conditions:
Hereditary sensory and autonomic neuropathy type 6. Also called: HSAN VI; Neuropathy, hereditary sensory and autonomic, type VI. Identifiers: Orphanet 314381, MedGen C3539003, MONDO:0013839, OMIM 614653.
Epidermolysis bullosa simplex 3, localized or generalized intermediate, with BP230 deficiency (EBS3). Also called: Epidermolysis bullosa simplex, autosomal recessive 2; Epidermolysis bullosa simplex due to BP230 deficiency. Identifiers: Orphanet 412181, MedGen C3809470, MONDO:0014180, OMIM 615425.

Submission:

Labcorp Genetics (formerly Invitae), Labcorp
Classification: Likely pathogenic for Epidermolysis bullosa simplex 3, localized or generalized intermediate, with BP230 deficiency; Hereditary sensory and autonomic neuropathy type 6. Last evaluated: 2021-10-14. Review status: criteria provided, single submitter. Criteria: Invitae Variant Classification Sherloc (09022015). Collection method: clinical testing. Allele origin: germline.
Comment: This variant has not been reported in the literature in individuals affected with DST-related conditions. In summary, the currently available evidence indicates that the variant is pathogenic, but additional data are needed to prove that conclusively. Therefore, this variant has been classified as Likely Pathogenic. Experimental studies and prediction algorithms are not available or were not evaluated, and the effect of this variant on mRNA splicing is currently unknown. This variant is not present in population databases (ExAC no frequency). This sequence change affects an acceptor splice site in intron 69 of the DST gene. The DST gene has multiple clinically relevant transcripts. This variant occurs in alternate transcript NM_015548.4, and corresponds to NM_001723.5:c.*132638A>T in the primary transcript. It is expected to disrupt RNA splicing. Variants that disrupt the donor or acceptor splice site typically lead to a loss of protein function (PMID: 16199547), and loss-of-function variants in DST are known to be pathogenic (PMID: 22522446, 25059916, 30371979).

Literature cited by the submitters: PubMed 16199547; PubMed 22522446; PubMed 25059916; PubMed 30371979.